The following is an entry in ClinVar:

NM_000057.4(BLM):c.2193T>G (p.Asp731Glu)

Gene: BLM (BLM RecQ like helicase; plus strand). Cytogenetic location: 15q26.1.
Variant type: single nucleotide variant.
Coding change: c.2193T>G on transcript NM_000057.4 (MANE Select); coding-DNA position 2193, T replaced by G.
Protein change: p.Asp731Glu; replaces aspartic acid 731 with glutamic acid.
Molecular consequence: missense variant.
Genome position (GRCh38, 1-based): chr15:90,765,414, T>G. VCF-style: chr15-90765414-T-G. GRCh37 (hg19) VCF-style: chr15-91308644-T-G.
Other names: c.2193T>G (NM_000057.2); c.2193T>G, p.Asp731Glu (NM_001287246.2, NM_001287247.2); c.1068T>G, p.Asp356Glu (NM_001287248.2); short protein forms D356E, D731E.
Identifiers: ClinVar variation 855773 (VCV000855773.14), dbSNP rs756354696, ClinGen allele CA7738672.

ClinVar aggregate classification (germline): Uncertain significance. Review status: criteria provided, multiple submitters, no conflicts (2 of 4 stars). 3 submissions from 3 submitters: Uncertain significance (2). 1 of the submissions does not count toward it. Last evaluated 2024-10-21.

Conditions:
Hereditary cancer-predisposing syndrome. Also called: Tumor predisposition; Hereditary neoplastic syndrome; Neoplastic Syndromes, Hereditary; Hereditary Cancer Syndrome. Identifiers: Orphanet 140162, MedGen C0027672, MeSH D009386, MONDO:0015356.
Bloom syndrome (BLM). Also called: Bloom-Torre-Machacek syndrome. Identifiers: Orphanet 125, MedGen C0005859, MONDO:0008876, OMIM 210900.

Allele frequency attached by ClinVar (database versions not stated): TOPMed below 0.00001; gnomAD 0.00001; ExAC 0.00003.

Submissions (3):

Labcorp Genetics (formerly Invitae), Labcorp
Classification: Uncertain significance for Bloom syndrome. Last evaluated: 2024-10-21. Review status: criteria provided, single submitter. Criteria: Invitae Variant Classification Sherloc (09022015). Collection method: clinical testing. Allele origin: germline.
Comment: This sequence change replaces aspartic acid, which is acidic and polar, with glutamic acid, which is acidic and polar, at codon 731 of the BLM protein (p.Asp731Glu). This variant is present in population databases (rs756354696, gnomAD 0.02%). This variant has not been reported in the literature in individuals affected with BLM-related conditions. ClinVar contains an entry for this variant (Variation ID: 855773). An algorithm developed to predict the effect of missense changes on protein structure and function (PolyPhen-2) suggests that this variant is likely to be disruptive. In summary, the available evidence is currently insufficient to determine the role of this variant in disease. Therefore, it has been classified as a Variant of Uncertain Significance.

Ambry Genetics
Classification: Uncertain significance for Hereditary cancer-predisposing syndrome. Last evaluated: 2022-03-22. Review status: criteria provided, single submitter. Criteria: Ambry Variant Classification Scheme 2023. Collection method: clinical testing. Allele origin: germline.
Comment: The p.D731E variant (also known as c.2193T>G), located in coding exon 8 of the BLM gene, results from a T to G substitution at nucleotide position 2193. The aspartic acid at codon 731 is replaced by glutamic acid, an amino acid with highly similar properties. This amino acid position is highly conserved in available vertebrate species. In addition, the in silico prediction for this alteration is inconclusive. Since supporting evidence is limited at this time, the clinical significance of this alteration remains unclear.

Natera, Inc.
Classification: Uncertain significance for Bloom syndrome. Last evaluated: 2021-01-21. Review status: no assertion criteria provided. Collection method: clinical testing. Allele origin: germline. Not counted in ClinVar's aggregate classification.